The following is an entry in ClinVar:

NM_002528.7(NTHL1):c.82C>A (p.Pro28Thr)

Gene: NTHL1 (nth like DNA glycosylase 1; minus strand). Cytogenetic location: 16p13.3.
Variant type: single nucleotide variant.
Coding change: c.82C>A on transcript NM_002528.7 (MANE Select); coding-DNA position 82, C replaced by A.
Protein change: p.Pro28Thr; replaces proline 28 with threonine.
Molecular consequence: missense variant. On other transcripts: 5 prime UTR variant (1).
Genome position (GRCh38, 1-based): chr16:2,047,742, G>T on the plus strand (C>A on the coding strand, the complement: NTHL1 is on the minus strand). VCF-style: chr16-2047742-G-T. GRCh37 (hg19) VCF-style: chr16-2097743-G-T.
Other names: c.82C>A, p.Pro28Thr (NM_001318193.2); c.-97C>A (NM_001318194.2); c.106C>A (NM_002528.5); short protein forms P28T.
Identifiers: ClinVar variation 2415515 (VCV002415515.9), dbSNP rs1056290046, ClinGen allele CA394298336.

ClinVar aggregate classification (germline): Uncertain significance. Review status: criteria provided, multiple submitters, no conflicts (2 of 4 stars). 2 submissions from 2 submitters: Uncertain significance (2). Last evaluated 2025-04-01.

Conditions:
Hereditary cancer-predisposing syndrome. Also called: Tumor predisposition; Hereditary Cancer Syndrome; Neoplastic Syndromes, Hereditary; Hereditary neoplastic syndrome. Identifiers: Orphanet 140162, MedGen C0027672, MeSH D009386, MONDO:0015356.

Allele frequency attached by ClinVar (database versions not stated): gnomAD 0.00001; TOPMed 0.00001.
gnomAD v4.1: 3 of 1,585,554 alleles (0.00019%); highest among the groups gnomAD compares: African/African-American, 0.0027%; no homozygotes.

Submissions (2):

Ambry Genetics
Classification: Uncertain significance for Hereditary cancer-predisposing syndrome. Last evaluated: 2025-04-01. Review status: criteria provided, single submitter. Criteria: Ambry Variant Classification Scheme 2023. Collection method: clinical testing. Allele origin: germline.

Labcorp Genetics (formerly Invitae), Labcorp
Classification: Uncertain significance. Last evaluated: 2023-09-15. Review status: criteria provided, single submitter. Criteria: Invitae Variant Classification Sherloc (09022015). Collection method: clinical testing. Allele origin: germline.
Comment: In summary, the available evidence is currently insufficient to determine the role of this variant in disease. Therefore, it has been classified as a Variant of Uncertain Significance. An algorithm developed to predict the effect of missense changes on protein structure and function (PolyPhen-2) suggests that this variant is likely to be tolerated. ClinVar contains an entry for this variant (Variation ID: 2415515). This variant has not been reported in the literature in individuals affected with NTHL1-related conditions. This variant is not present in population databases (gnomAD no frequency). This sequence change replaces proline, which is neutral and non-polar, with threonine, which is neutral and polar, at codon 36 of the NTHL1 protein (p.Pro36Thr).